The following is an entry in ClinVar:

NM_002691.4(POLD1):c.1138-20_1138-13del

Gene: POLD1 (DNA polymerase delta 1, catalytic subunit; plus strand). Cytogenetic location: 19q13.33.
Variant type: Deletion.
Coding change: c.1138-20_1138-13del on transcript NM_002691.4 (MANE Select); 20 bases into the intron before coding-DNA position 1138 through 13 bases into the intron before coding-DNA position 1138, 8 bases deleted (CAATGTGC; older notation c.1138-20_1138-13delCAATGTGC).
Molecular consequence: intron variant.
Genome position (GRCh38, 1-based): chr19:50,403,473-50,403,480, CAATGTGC deleted; deleting any 8 consecutive bases within chr19:50,403,472-50,403,480 gives the same sequence; the c. name uses the placement nearest the transcript's 3' end. VCF-style (leftmost placement, unchanged base first): chr19-50403471-CCCAATGTG-C. GRCh37 (hg19) VCF-style: chr19-50906728-CCCAATGTG-C.
Other names: c.1138-20_1138-13del (NM_001256849.1, NM_001308632.1).
Identifiers: ClinVar variation 1312571 (VCV001312571.2), dbSNP rs2122276588, ClinGen allele CA2573054819.

ClinVar aggregate classification (germline): Uncertain significance (1 of 4 stars; one submission).

Submission:

GeneDx
Classification: Uncertain significance. Last evaluated: 2020-03-09. Review status: criteria provided, single submitter. Criteria: GeneDx Variant Classification Process June 2021. Collection method: clinical testing. Allele origin: germline. Affected: yes.
Comment: Not observed in large population cohorts (Lek 2016); Has not been previously published as pathogenic or benign to our knowledge; In-silico analysis is inconclusive as to whether the variant alters gene splicing. In the absence of RNA/functional studies, the actual effect of this sequence change is unknown.